The following is an entry in ClinVar:

ClinVar aggregate classification (germline): Uncertain significance (1 of 4 stars; one submission).

Conditions:
Severe early-onset pulmonary alveolar proteinosis due to MARS deficiency. Also called: PULMONARY ALVEOLAR PROTEINOSIS, REUNION ISLAND; Interstitial lung and liver disease. Identifiers: Orphanet 440427, MedGen C4225400, MONDO:0014206, OMIM 615486.
Charcot-Marie-Tooth disease axonal type 2U. Also called: CHARCOT-MARIE-TOOTH NEUROPATHY, TYPE 2U; CHARCOT-MARIE-TOOTH DISEASE, AXONAL, AUTOSOMAL DOMINANT, TYPE 2U. Identifiers: Orphanet 397735, MedGen C4084821, MONDO:0014566, OMIM 616280.

Submission:

Labcorp Genetics (formerly Invitae), Labcorp
Classification: Uncertain significance for Charcot-Marie-Tooth disease axonal type 2U; Severe early-onset pulmonary alveolar proteinosis due to MARS deficiency. Last evaluated: 2024-07-10. Review status: criteria provided, single submitter. Criteria: Invitae Variant Classification Sherloc (09022015). Collection method: clinical testing. Allele origin: germline.
Comment: This sequence change results in a frameshift in the MARS gene (p.*901Thrext*8). While this is not anticipated to result in nonsense mediated decay, it is expected to disrupt the last termination codon of the MARS protein and extend the protein by 8 additional amino acid residues. This variant is present in population databases (no rsID available, gnomAD 0.009%). This variant has not been reported in the literature in individuals affected with MARS-related conditions. ClinVar contains an entry for this variant (Variation ID: 1681809). Experimental studies and prediction algorithms are not available or were not evaluated, and the functional significance of this variant is currently unknown. In summary, the available evidence is currently insufficient to determine the role of this variant in disease. Therefore, it has been classified as a Variant of Uncertain Significance.

NM_004990.4(MARS1):c.2701_*3del (p.Ter901del)

Gene: MARS1 (methionyl-tRNA synthetase 1; plus strand). Cytogenetic location: 12q13.3.
Variant type: Deletion.
Coding change: c.2701_*3del on transcript NM_004990.4 (MANE Select); coding-DNA position 2701 through 3 bases downstream of the stop codon, 6 bases deleted (TAAAAG; older notation c.2701_*3delTAAAAG).
Protein change: p.Ter901del.
Molecular consequence: stop lost, inframe deletion.
Genome position (GRCh38, 1-based): chr12:57,516,579-57,516,584, TAAAAG deleted; deleting any 6 consecutive bases within chr12:57,516,574-57,516,584 gives the same sequence; the c. name uses the placement nearest the transcript's 3' end. VCF-style (leftmost placement, unchanged base first): chr12-57516573-AAAAAGT-A. GRCh37 (hg19) VCF-style: chr12-57910356-AAAAAGT-A.
Other names: short protein forms :901del.
Identifiers: ClinVar variation 1681809 (VCV001681809.6), dbSNP rs1409128703, ClinGen allele CA605705365.